The following is an entry in ClinVar:

NM_000188.3(HK1):c.1532T>C (p.Met511Thr)

Gene: HK1 (hexokinase 1; plus strand). Cytogenetic location: 10q22.1.
Variant type: single nucleotide variant.
Coding change: c.1532T>C on transcript NM_000188.3 (MANE Select); coding-DNA position 1532, T replaced by C.
Protein change: p.Met511Thr; replaces methionine 511 with threonine.
Molecular consequence: missense variant.
Genome position (GRCh38, 1-based): chr10:69,382,753, T>C. VCF-style: chr10-69382753-T-C. GRCh37 (hg19) VCF-style: chr10-71142509-T-C.
Other names: p.Met511Thr; c.1544T>C, p.Met515Thr (NM_001322364.2, NM_001358263.1, NM_033497.3 and 1 more transcripts); c.1637T>C, p.Met546Thr (NM_001322365.2); c.1448T>C, p.Met483Thr (NM_001322366.1); c.1436T>C, p.Met479Thr (NM_001322367.1); c.1529T>C, p.Met510Thr (NM_033496.3); c.1496T>C, p.Met499Thr (NM_033500.2); short protein forms M479T, M483T, M499T, M510T, M511T, M515T, M546T.
Identifiers: ClinVar variation 3379966 (VCV003379966.1).

ClinVar aggregate classification (germline): Uncertain significance (1 of 4 stars; one submission).

gnomAD v4.1: 4 of 1,613,126 alleles (0.00025%); highest among the groups gnomAD compares: Non-Finnish European, 0.00034%; no homozygotes.

Submission:

Mayo Clinic Laboratories, Mayo Clinic
Classification: Uncertain significance. Last evaluated: 2024-03-08. Review status: criteria provided, single submitter. Criteria: ACMG Guidelines, 2015. Collection method: clinical testing. Allele origin: germline. Observed: 1 variant allele.
Comment: PP3